The following is an entry in ClinVar:

NM_000479.5(AMH):c.732del (p.Arg244_Met245insTer)

Gene: AMH (anti-Mullerian hormone; plus strand). Cytogenetic location: 19p13.3.
Variant type: Deletion.
Coding change: c.732del on transcript NM_000479.5 (MANE Select); coding-DNA position 732, one base deleted (G; older notation c.732delG).
Protein change: p.Arg244_Met245insTer.
Molecular consequence: frameshift variant.
Genome position (GRCh38, 1-based): chr19:2,250,916, G deleted; the last of 2 consecutive G bases (chr19:2,250,915-2,250,916); deleting either gives the same sequence. VCF-style (leftmost placement, unchanged base first): chr19-2250914-CG-C. GRCh37 (hg19) VCF-style: chr19-2250913-CG-C.
Identifiers: ClinVar variation 5018516 (VCV005018516.2).
Genomic context (GRCh38, chr19:2,250,914, plus strand): 5'-CGGCTGAGTACCGCCCGGCTGCAGGCACTGCTGTTCGGCGACGACCACCGCTGCTTCACA[CG>C]GATGACCCCGGCCCTGCTCCTGCTGCCGCGGTCCGAGCCCGCGCCGCTGCCTGCGCACGG-3'

ClinVar aggregate classification (germline): Likely pathogenic (1 of 4 stars; one submission).

Conditions:
Persistent Mullerian duct syndrome (PMDS). Also called: HERNIA UTERI INGUINALE; PERSISTENT OVIDUCT SYNDROME; PSEUDOHERMAPHRODITISM, MALE INTERNAL; PERSISTENT MULLERIAN DUCT SYNDROME, TYPES I AND II; FEMALE GENITAL DUCTS IN OTHERWISE NORMAL MALE. Identifiers: Orphanet 2856, MedGen C1849930, MONDO:0009857, OMIM 261550.

Submission:

Juno Genomics, Hangzhou Juno Genomics, Inc
Classification: Likely pathogenic for Persistent Mullerian duct syndrome. Review status: criteria provided, single submitter. Criteria: ACMG Guidelines, 2015. Collection method: clinical testing. Allele origin: germline.
Comment: Absent from controls (or at extremely low frequency if recessive) in Genome Aggregation Database.;Null variant in a gene where loss of function (LOF) is a known mechanism of disease.